The following is an entry in ClinVar:

ClinVar aggregate classification (germline): Uncertain significance (1 of 4 stars; one submission).

Conditions:
DMRT2-related disorder. Also called: DMRT2-related condition.

Submission:

PreventionGenetics, part of Exact Sciences
Classification: Uncertain significance for DMRT2-related condition. Last evaluated: 2026-04-28. Review status: criteria provided, single submitter. Criteria: ACMG Guidelines, 2015. Collection method: clinical testing. Allele origin: germline.
Comment: The DMRT2 c.991A>G variant is predicted to result in the amino acid substitution p.Thr331Ala. To our knowledge, this variant has not been reported in the literature or in a large population database (gnomAD), indicating this variant is rare. At this time, the clinical significance of this variant is uncertain due to the absence of conclusive functional and genetic evidence.

NM_181872.6(DMRT2):c.991A>G (p.Thr331Ala)

Gene: DMRT2 (doublesex and mab-3 related transcription factor 2; plus strand). Cytogenetic location: 9p24.3.
Variant type: single nucleotide variant.
Coding change: c.991A>G on transcript NM_181872.6 (MANE Select); coding-DNA position 991, A replaced by G.
Protein change: p.Thr331Ala; replaces threonine 331 with alanine.
Molecular consequence: missense variant. On other transcripts: 3 prime UTR variant (4), non-coding transcript variant (1).
Genome position (GRCh38, 1-based): chr9:1,056,578, A>G. VCF-style: chr9-1056578-A-G. GRCh37 (hg19) VCF-style: chr9-1056578-A-G.
Other names: c.*388A>G (NM_001130865.3, NM_001370533.1, NM_001387557.1); c.469A>G, p.Thr157Ala (NM_001370532.1); c.991A>G, p.Thr331Ala (NM_001387558.1, NM_001387559.1); c.292A>G, p.Thr98Ala (NM_001387560.1); c.*804A>G (NM_006557.7); short protein forms T157A, T331A, T98A.
Identifiers: ClinVar variation 4993632 (VCV004993632.1).